The following is an entry in ClinVar:

ClinVar aggregate classification (germline): Uncertain significance (1 of 4 stars; one submission).

gnomAD v4.1: 1 of 1,612,862 alleles (0.000062%); highest among the groups gnomAD compares: South Asian, 0.0011%; no homozygotes.

Submission:

Ambry Genetics
Classification: Uncertain significance. Last evaluated: 2024-12-29. Review status: criteria provided, single submitter. Criteria: Ambry Variant Classification Scheme 2023. Collection method: clinical testing. Allele origin: germline.
Comment: The p.V854I variant (also known as c.2560G>A), located in coding exon 13 of the GEN1 gene, results from a G to A substitution at nucleotide position 2560. The valine at codon 854 is replaced by isoleucine, an amino acid with highly similar properties. This amino acid position is conserved. In addition, this alteration is predicted to be tolerated by in silico analysis. Based on the available evidence, the clinical significance of this variant remains unclear.

NM_001130009.3(GEN1):c.2560G>A (p.Val854Ile)

Gene: GEN1 (GEN1 Holliday junction 5' flap endonuclease; plus strand). Cytogenetic location: 2p24.2.
Variant type: single nucleotide variant.
Coding change: c.2560G>A on transcript NM_001130009.3 (MANE Select); coding-DNA position 2560, G replaced by A.
Protein change: p.Val854Ile; replaces valine 854 with isoleucine.
Molecular consequence: missense variant.
Genome position (GRCh38, 1-based): chr2:17,781,772, G>A. VCF-style: chr2-17781772-G-A. GRCh37 (hg19) VCF-style: chr2-17963039-G-A.
Other names: c.2560G>A, p.Val854Ile (NM_182625.5); short protein forms V854I.
Identifiers: ClinVar variation 3853469 (VCV003853469.1).